The following is an entry in ClinVar:

ClinVar aggregate classification (germline): Uncertain significance (1 of 4 stars; one submission).

Submission:

Labcorp Genetics (formerly Invitae), Labcorp
Classification: Uncertain significance. Last evaluated: 2024-02-06. Review status: criteria provided, single submitter. Criteria: Invitae Variant Classification Sherloc (09022015). Collection method: clinical testing. Allele origin: germline.
Comment: This sequence change replaces glutamic acid, which is acidic and polar, with glycine, which is neutral and non-polar, at codon 1454 of the SMARCA2 protein (p.Glu1454Gly). This variant is not present in population databases (gnomAD no frequency). This variant has not been reported in the literature in individuals affected with SMARCA2-related conditions. An algorithm developed to predict the effect of missense changes on protein structure and function (PolyPhen-2) suggests that this variant is likely to be disruptive. In summary, the available evidence is currently insufficient to determine the role of this variant in disease. Therefore, it has been classified as a Variant of Uncertain Significance.

NM_003070.5(SMARCA2):c.4361A>G (p.Glu1454Gly)

Gene: SMARCA2 (SWI/SNF related BAF chromatin remodeling complex subunit ATPase 2; plus strand). Cytogenetic location: 9p24.3.
Variant type: single nucleotide variant.
Coding change: c.4361A>G on transcript NM_003070.5 (MANE Select); coding-DNA position 4361, A replaced by G.
Protein change: p.Glu1454Gly; replaces glutamic acid 1454 with glycine.
Molecular consequence: missense variant.
Genome position (GRCh38, 1-based): chr9:2,182,142, A>G. VCF-style: chr9-2182142-A-G. GRCh37 (hg19) VCF-style: chr9-2182142-A-G.
Other names: c.4361A>G, p.Glu1454Gly (NM_001289396.2); c.4133A>G, p.Glu1378Gly (NM_001289397.2); c.335A>G, p.Glu112Gly (NM_001289398.2); c.419A>G, p.Glu140Gly (NM_001289399.2); c.425A>G, p.Glu142Gly (NM_001289400.2); c.4307A>G, p.Glu1436Gly (NM_139045.4); short protein forms E1378G, E140G, E142G, E1454G, E112G, E1436G.
Identifiers: ClinVar variation 3632979 (VCV003632979.2).